The following is an entry in ClinVar:

NM_018180.3(DHX32):c.1192+5T>C

Genes: DHX32 (DEAH-box helicase 32 (putative); minus strand), BCCIP (BRCA2 and CDKN1A interacting protein; plus strand). Cytogenetic location: 10q26.2.
Variant type: single nucleotide variant.
Coding change: c.1192+5T>C on transcript NM_018180.3 (MANE Select); 5 bases into the intron after coding-DNA position 1192, T replaced by C.
Molecular consequence: intron variant.
Genome position (GRCh38, 1-based): chr10:125,852,538, A>G on the plus strand (T>C on the coding strand, the complement: DHX32 is on the minus strand). VCF-style: chr10-125852538-A-G. GRCh37 (hg19) VCF-style: chr10-127541107-A-G.
Other names: c.851-587A>G (NM_016567.4).
Identifiers: ClinVar variation 2971488 (VCV002971488.3), dbSNP rs761425156, ClinGen allele CA5739254.
Genomic context (GRCh38, chr10:125,852,538, plus strand): 5'-TAATATTTCTGGGTTGCCTGCATACAAGAATTGACAACATTTAGTATTTGTGTCCACAGC[A>G]CTACCTGAAGAAGATGAGCCAAGAATCTGCTTGCGTATCTCTGCCTGGCTCTGGCTGATG-3'

ClinVar aggregate classification (germline): Uncertain significance (1 of 4 stars; one submission).

Allele frequency attached by ClinVar (database versions not stated): gnomAD exomes 0.00004; gnomAD 0.00001; ExAC 0.00001.
gnomAD v4.1: 55 of 1,613,460 alleles (0.0034%); highest among the groups gnomAD compares: Non-Finnish European, 0.0046%; no homozygotes.

Submission:

Labcorp Genetics (formerly Invitae), Labcorp
Classification: Uncertain significance. Last evaluated: 2022-12-30. Review status: criteria provided, single submitter. Criteria: Invitae Variant Classification Sherloc (09022015). Collection method: clinical testing. Allele origin: germline.
Comment: In summary, the available evidence is currently insufficient to determine the role of this variant in disease. Therefore, it has been classified as a Variant of Uncertain Significance. Variants that disrupt the consensus splice site are a relatively common cause of aberrant splicing (PMID: 17576681, 9536098). Algorithms developed to predict the effect of sequence changes on RNA splicing suggest that this variant is not likely to affect RNA splicing. This variant has not been reported in the literature in individuals affected with DHX32-related conditions. This variant is not present in population databases (gnomAD no frequency). This sequence change falls in intron 5 of the DHX32 gene. It does not directly change the encoded amino acid sequence of the DHX32 protein. It affects a nucleotide within the consensus splice site.

Literature cited by the submitters: PubMed 17576681; PubMed 9536098.